The following is an entry in ClinVar:

ClinVar aggregate classification (germline): Pathogenic. Review status: criteria provided, multiple submitters, no conflicts (2 of 4 stars). 3 submissions from 3 submitters: Pathogenic (3). Last evaluated 2024-05-08.

Conditions:
VPS13A-related neurodegenerative disease. Also called: LEVINE-CRITCHLEY SYNDROME; VPS13A Disease; ACANTHOCYTOSIS WITH NEUROLOGIC DISORDER; Choreaacanthocytosis; Choreoacanthocytosis; Chorea-acanthocytosis. Identifiers: Orphanet 2388, MedGen C0393576, MONDO:0008695, OMIM 200150.

Allele frequency attached by ClinVar (database versions not stated): gnomAD exomes below 0.00001.
gnomAD v4.1: 2 of 1,601,434 alleles (0.00012%); highest among the groups gnomAD compares: South Asian, 0.0011%; no homozygotes.

Submissions (3):

Myriad Genetics, Inc.
Classification: Pathogenic for VPS13A-related neurodegenerative disease. Last evaluated: 2024-05-08. Review status: criteria provided, single submitter. Criteria: Myriad Autosomal Dominant, Autosomal Recessive and X-Linked Classification Criteria (2023). Collection method: clinical testing. Allele origin: unknown.
Comment: NM_033305.2(VPS13A):c.4918C>T(Q1640*) is expected to be pathogenic in the context of VPS13A disease. This variant is predicted to lead to an abnormal or absent protein product due to the creation of a premature termination codon in VPS13A, a gene where loss-of-function variants are known to be pathogenic. Please note: this variant was assessed in the context of healthy population screening.

Labcorp Genetics (formerly Invitae), Labcorp
Classification: Pathogenic. Last evaluated: 2022-03-03. Review status: criteria provided, single submitter. Criteria: Invitae Variant Classification Sherloc (09022015). Collection method: clinical testing. Allele origin: germline.
Comment: For these reasons, this variant has been classified as Pathogenic. Algorithms developed to predict the effect of sequence changes on RNA splicing suggest that this variant may create or strengthen a splice site. ClinVar contains an entry for this variant (Variation ID: 830219). This variant has not been reported in the literature in individuals affected with VPS13A-related conditions. This variant is not present in population databases (gnomAD no frequency). This sequence change creates a premature translational stop signal (p.Gln1640*) in the VPS13A gene. It is expected to result in an absent or disrupted protein product. Loss-of-function variants in VPS13A are known to be pathogenic (PMID: 12404112, 21598378).

Diagnostics Services (NGS), CSIR - Centre For Cellular And Molecular Biology
Classification: Pathogenic for VPS13A-related neurodegenerative disease. Last evaluated: 2020-02-26. Review status: criteria provided, single submitter. Criteria: ACMG Guidelines, 2015. Collection method: clinical testing. Allele origin: germline. Inheritance: Autosomal recessive inheritance. Affected: yes. Observed: 1 homozygote.
Comment: The c.4918C>T variant is not present in publicly available databases like 1000 Genomes, Exome Variant Server (EVS), Exome Aggregation Consortium (ExAC), Genome Aggregation Database (gnomAD) and dbSNP. The variant is not present in our in-house exome database. The variant was not reported earlier to OMIM, ClinVar or HGMD databases. In-silico pathogenicity prediction programs MutationTaster2, CADD, Intervar etc. predicted this variant to be likely deleterious. This variant may either cause nonsense mediated decay of the mRNA resulting no protein or a truncated protein due to premature stop codon. The variant has been classified as pathogenic as per ACMG guidelines.

Literature cited by the submitters: PubMed 12404112 (cited by Labcorp Genetics (formerly Invitae), Labcorp); PubMed 21598378 (cited by Labcorp Genetics (formerly Invitae), Labcorp).

NM_033305.3(VPS13A):c.4918C>T (p.Gln1640Ter)

Gene: VPS13A (vacuolar protein sorting 13 homolog A; plus strand). Cytogenetic location: 9q21.2.
Variant type: single nucleotide variant.
Coding change: c.4918C>T on transcript NM_033305.3 (MANE Select); coding-DNA position 4918, C replaced by T.
Protein change: p.Gln1640Ter; replaces glutamine 1640 with a stop codon.
Molecular consequence: nonsense.
Genome position (GRCh38, 1-based): chr9:77,317,660, C>T. VCF-style: chr9-77317660-C-T. GRCh37 (hg19) VCF-style: chr9-79932576-C-T.
Other names: c.4801C>T, p.Gln1601Ter (NM_001018037.2); c.4918C>T, p.Gln1640Ter (NM_001018038.3, NM_015186.4); short protein forms Q1601*, Q1640*.
Identifiers: ClinVar variation 830219 (VCV000830219.12), dbSNP rs1829478568, ClinGen allele CA373858442.